The following is an entry in ClinVar:

NM_003036.4(SKI):c.182C>T (p.Pro61Leu)

Gene: SKI (SKI proto-oncogene; plus strand). Cytogenetic location: 1p36.33.
Variant type: single nucleotide variant.
Coding change: c.182C>T on transcript NM_003036.4 (MANE Select); coding-DNA position 182, C replaced by T.
Protein change: p.Pro61Leu; replaces proline 61 with leucine.
Molecular consequence: missense variant.
Genome position (GRCh38, 1-based): chr1:2,228,948, C>T. VCF-style: chr1-2228948-C-T. GRCh37 (hg19) VCF-style: chr1-2160387-C-T.
Other names: short protein forms P61L.
Identifiers: ClinVar variation 582097 (VCV000582097.11), dbSNP rs1557806444, ClinGen allele CA337952267.

ClinVar aggregate classification (germline): Uncertain significance. Review status: criteria provided, multiple submitters, no conflicts (2 of 4 stars). 3 submissions from 3 submitters: Uncertain significance (3). Last evaluated 2026-06-12.

Conditions:
Shprintzen-Goldberg syndrome (SGS). Also called: SHPRINTZEN-GOLDBERG CRANIOSYNOSTOSIS SYNDROME; CRANIOSYNOSTOSIS WITH ARACHNODACTYLY AND ABDOMINAL HERNIAS; Marfanoid disorder with craniosynostosis type 1; Marfanoid craniosynostosis syndrome; Shprintzen-Goldberg marfanoid syndrome. Identifiers: Orphanet 2462, MedGen C1321551, MONDO:0008426, OMIM 182212.
Familial thoracic aortic aneurysm and aortic dissection (TAAD). Also called: Thoracic aortic aneurysms and dissections. Identifiers: Orphanet 91387, MedGen C4707243, MONDO:0019625.

gnomAD v4.1: 9 of 1,396,328 alleles (0.00064%); highest among the groups gnomAD compares: South Asian, 0.0015%; no homozygotes.

Submissions (3):

Ambry Genetics
Classification: Uncertain significance for Familial thoracic aortic aneurysm and aortic dissection. Last evaluated: 2026-06-12. Review status: criteria provided, single submitter. Criteria: Ambry Variant Classification Scheme 2023. Collection method: clinical testing. Allele origin: germline.
Comment: The p.P61L variant (also known as c.182C>T), located in coding exon 1 of the SKI gene, results from a C to T substitution at nucleotide position 182. The proline at codon 61 is replaced by leucine, an amino acid with similar properties. This amino acid position is conserved. In addition, the in silico prediction for this alteration is inconclusive. Based on the available evidence, the clinical significance of this variant remains unclear.

Labcorp Genetics (formerly Invitae), Labcorp
Classification: Uncertain significance for Shprintzen-Goldberg syndrome. Last evaluated: 2024-08-11. Review status: criteria provided, single submitter. Criteria: Invitae Variant Classification Sherloc (09022015). Collection method: clinical testing. Allele origin: germline.
Comment: This sequence change replaces proline, which is neutral and non-polar, with leucine, which is neutral and non-polar, at codon 61 of the SKI protein (p.Pro61Leu). This variant is not present in population databases (gnomAD no frequency). This variant has not been reported in the literature in individuals affected with SKI-related conditions. ClinVar contains an entry for this variant (Variation ID: 582097). Advanced modeling of protein sequence and biophysical properties (such as structural, functional, and spatial information, amino acid conservation, physicochemical variation, residue mobility, and thermodynamic stability) has been performed at Invitae for this missense variant, however the output from this modeling did not meet the statistical confidence thresholds required to predict the impact of this variant on SKI protein function. In summary, the available evidence is currently insufficient to determine the role of this variant in disease. Therefore, it has been classified as a Variant of Uncertain Significance.

MGZ Medical Genetics Center
Classification: Uncertain significance for Shprintzen-Goldberg syndrome. Last evaluated: 2022-04-12. Review status: criteria provided, single submitter. Criteria: ACMG Guidelines, 2015. Collection method: clinical testing. Allele origin: germline. Affected: yes. Observed: 1 variant allele.
Comment: ACMG criteria applied: PM2_SUP